The following is an entry in ClinVar:

NM_000379.4(XDH):c.1885G>T (p.Val629Phe)

Gene: XDH (xanthine dehydrogenase; minus strand). Cytogenetic location: 2p23.1.
Variant type: single nucleotide variant.
Coding change: c.1885G>T on transcript NM_000379.4 (MANE Select); coding-DNA position 1885, G replaced by T.
Protein change: p.Val629Phe; replaces valine 629 with phenylalanine.
Molecular consequence: missense variant.
Genome position (GRCh38, 1-based): chr2:31,370,450, C>A on the plus strand (G>T on the coding strand, the complement: XDH is on the minus strand). VCF-style: chr2-31370450-C-A. GRCh37 (hg19) VCF-style: chr2-31593316-C-A.
Other names: short protein forms V629F.
Identifiers: ClinVar variation 571131 (VCV000571131.9), dbSNP rs148464316, ClinGen allele CA1599041.
Genomic context (GRCh38, chr2:31,370,450, plus strand): 5'-TTCCAGTTATGTTACTCCCAGGAACATCATCAGCGGAAATGAAACAAACAAACCCTGGAA[C>A]CTTCTTAGCTTCTGATGTATCTATGGACCTGCAAGAATGAGTGGTGTGAGGGGCCAGGTC-3'
Protein context (NP_000370.2, residues 619-639): KSIDTSEAKK[Val629Phe]PGFVCFISAD

ClinVar aggregate classification (germline): Uncertain significance. Review status: criteria provided, multiple submitters, no conflicts (2 of 4 stars). 2 submissions from 2 submitters: Uncertain significance (2). Last evaluated 2022-10-03.

Conditions:
Xanthinuria type II. Also called: Xanthine dehydrogenase and aldehyde oxidase combined deficiency of; XDH and AOX dual deficiency. Identifiers: Orphanet 3467, Orphanet 93602, MedGen C1863688, MONDO:0011346, OMIM 603592.
Hereditary xanthinuria type 1 (XAN1). Identifiers: Orphanet 3467, Orphanet 93601, MedGen C0268118, MONDO:0010209, OMIM 278300.

Allele frequency attached by ClinVar (database versions not stated): 1000 Genomes Project 30x 0.00031; 1000 Genomes Project 0.00040.
gnomAD v4.1: 874 of 1,614,178 alleles (0.054%); highest among the groups gnomAD compares: Non-Finnish European, 0.065%; 3 homozygotes.

Submissions (2):

Labcorp Genetics (formerly Invitae), Labcorp
Classification: Uncertain significance for Xanthinuria type II. Last evaluated: 2022-10-03. Review status: criteria provided, single submitter. Criteria: Invitae Variant Classification Sherloc (09022015). Collection method: clinical testing. Allele origin: germline.
Comment: This sequence change replaces valine, which is neutral and non-polar, with phenylalanine, which is neutral and non-polar, at codon 629 of the XDH protein (p.Val629Phe). This variant is present in population databases (rs148464316, gnomAD 0.05%). This variant has not been reported in the literature in individuals affected with XDH-related conditions. ClinVar contains an entry for this variant (Variation ID: 571131). Algorithms developed to predict the effect of missense changes on protein structure and function are either unavailable or do not agree on the potential impact of this missense change (SIFT: "Deleterious"; PolyPhen-2: "Probably Damaging"; Align-GVGD: "Class C0"). In summary, the available evidence is currently insufficient to determine the role of this variant in disease. Therefore, it has been classified as a Variant of Uncertain Significance.

Illumina Laboratory Services, Illumina
Classification: Uncertain significance for Hereditary xanthinuria type 1. Last evaluated: 2018-01-13. Review status: criteria provided, single submitter. Criteria: ICSL Variant Classification Criteria 13 December 2019. Collection method: clinical testing. Allele origin: germline.